The following is an entry in ClinVar:

ClinVar aggregate classification (germline): Likely benign (0 of 4 stars; one submission).

Conditions:
ABCD4-related disorder. Also called: ABCD4-related condition.

Allele frequency attached by ClinVar (database versions not stated): gnomAD 0.00001; gnomAD exomes 0.00001; TOPMed 0.00001; ExAC 0.00002.
gnomAD v4.1: 11 of 1,613,364 alleles (0.00068%); highest among the groups gnomAD compares: East Asian, 0.0045%; no homozygotes.

Submission:

PreventionGenetics, part of Exact Sciences
Classification: Likely benign for ABCD4-related condition. Last evaluated: 2019-06-24. Review status: no assertion criteria provided. Collection method: clinical testing. Allele origin: germline.
Comment: This variant is classified as likely benign based on ACMG/AMP sequence variant interpretation guidelines (Richards et al. 2015 PMID: 25741868, with internal and published modifications).

NM_005050.4(ABCD4):c.542+6G>A

Gene: ABCD4 (ATP binding cassette subfamily D member 4; minus strand). Cytogenetic location: 14q24.3.
Variant type: single nucleotide variant.
Coding change: c.542+6G>A on transcript NM_005050.4 (MANE Select); 6 bases into the intron after coding-DNA position 542, G replaced by A.
Molecular consequence: intron variant.
Genome position (GRCh38, 1-based): chr14:74,296,327, C>T on the plus strand (G>A on the coding strand, the complement: ABCD4 is on the minus strand). VCF-style: chr14-74296327-C-T. GRCh37 (hg19) VCF-style: chr14-74763030-C-T.
Other names: c.-153+6G>A (NM_001353607.2, NM_001353604.2, NM_001353603.2 and 4 more transcripts); c.65+6G>A (NM_001353598.2, NM_001353601.2, NM_001353600.2 and 2 more transcripts); c.281+6G>A (NM_001353594.2, NM_001353593.2); c.133+6G>A (NM_001353597.2, NM_001353596.2, NM_001353595.2); c.-148+6G>A (NM_001353608.2, NM_001353602.2); c.542+6G>A (NM_001353591.2, NM_001353592.2, NM_020325.3).
Identifiers: ClinVar variation 3042472 (VCV003042472.2), dbSNP rs745487022, ClinGen allele CA7267185.